The following is an entry in ClinVar:

ClinVar aggregate classification (germline): Uncertain significance (1 of 4 stars; one submission).

Conditions:
ALG1-congenital disorder of glycosylation. Also called: CONGENITAL DISORDER OF GLYCOSYLATION, TYPE Ik; CDG Ik; ALG1-CDG. Identifiers: Orphanet 79327, MedGen C2931005, MONDO:0012052, OMIM 608540.

Submission:

Labcorp Genetics (formerly Invitae), Labcorp
Classification: Uncertain significance for ALG1-congenital disorder of glycosylation. Last evaluated: 2024-01-02. Review status: criteria provided, single submitter. Criteria: Invitae Variant Classification Sherloc (09022015). Collection method: clinical testing. Allele origin: germline.
Comment: This variant results in a copy number gain of the genomic region encompassing exon(s) 10 of the ALG1 gene. While the exact position of this variant cannot be determined from the data, sub-genic copy number gains are generally in tandem (PMID: 25640679). This variant is predicted to be in-frame, and likely preserves the integrity of the reading frame. This variant has not been reported in the literature in individuals affected with ALG1-related conditions. Experimental studies and prediction algorithms are not available or were not evaluated, and the functional significance of this variant is currently unknown. In summary, the available evidence is currently insufficient to determine the role of this variant in disease. Therefore, it has been classified as a Variant of Uncertain Significance.

Literature cited by the submitters: PubMed 25640679.

NC_000016.9:g.(?_5130927)_(5131077_?)dup

Gene: ALG1 (ALG1 chitobiosyldiphosphodolichol beta-mannosyltransferase; plus strand). Cytogenetic location: 16p13.3.
Variant type: Duplication.
Identifiers: ClinVar variation 1447194 (VCV001447194.5).